The following is an entry in ClinVar:

NM_001081.4(CUBN):c.7435G>A (p.Glu2479Lys)

Gene: CUBN (cubilin; minus strand). Cytogenetic location: 10p13.
Variant type: single nucleotide variant.
Coding change: c.7435G>A on transcript NM_001081.4 (MANE Select); coding-DNA position 7435, G replaced by A.
Protein change: p.Glu2479Lys; replaces glutamic acid 2479 with lysine.
Molecular consequence: missense variant.
Genome position (GRCh38, 1-based): chr10:16,913,909, C>T on the plus strand (G>A on the coding strand, the complement: CUBN is on the minus strand). VCF-style: chr10-16913909-C-T. GRCh37 (hg19) VCF-style: chr10-16955908-C-T.
Other names: short protein forms E2479K.
Identifiers: ClinVar variation 1992021 (VCV001992021.3), dbSNP rs145799931, ClinGen allele CA5423360.

ClinVar aggregate classification (germline): Uncertain significance. Review status: criteria provided, multiple submitters, no conflicts (2 of 4 stars). 2 submissions from 2 submitters: Uncertain significance (2). Last evaluated 2025-03-10.

Conditions:
Imerslund-Grasbeck syndrome. Also called: ENTEROCYTE COBALAMIN MALABSORPTION; ENTEROCYTE INTRINSIC FACTOR RECEPTOR, DEFECT OF; PERNICIOUS ANEMIA, JUVENILE, DUE TO SELECTIVE INTESTINAL MALABSORPTION OF VITAMIN B12, WITH PROTEINURIA; Megaloblastic anemia due to inborn errors of metabolism; Imerslund-Gräsbeck syndrome. Identifiers: Orphanet 35858, MedGen C4551825, MONDO:0009853.

Allele frequency attached by ClinVar (database versions not stated): ESP Exome Variant Server 0.00008; 1000 Genomes Project 30x 0.00016; 1000 Genomes Project 0.00020.
gnomAD v4.1: 254 of 1,614,074 alleles (0.016%); highest among the groups gnomAD compares: Middle Eastern, 0.16%; no homozygotes.

Submissions (2):

GeneDx
Classification: Uncertain significance. Last evaluated: 2025-03-10. Review status: criteria provided, single submitter. Criteria: GeneDx Variant Classification Process June 2021. Collection method: clinical testing. Allele origin: germline. Affected: yes.
Comment: In silico analysis indicates that this missense variant does not alter protein structure/function; Has not been previously published as pathogenic or benign to our knowledge

Labcorp Genetics (formerly Invitae), Labcorp
Classification: Uncertain significance for Imerslund-Grasbeck syndrome. Last evaluated: 2024-01-22. Review status: criteria provided, single submitter. Criteria: Invitae Variant Classification Sherloc (09022015). Collection method: clinical testing. Allele origin: germline.
Comment: This sequence change replaces glutamic acid, which is acidic and polar, with lysine, which is basic and polar, at codon 2479 of the CUBN protein (p.Glu2479Lys). This variant is present in population databases (rs145799931, gnomAD 0.05%). This variant has not been reported in the literature in individuals affected with CUBN-related conditions. ClinVar contains an entry for this variant (Variation ID: 1992021). Advanced modeling of protein sequence and biophysical properties (such as structural, functional, and spatial information, amino acid conservation, physicochemical variation, residue mobility, and thermodynamic stability) has been performed at Invitae for this missense variant, however the output from this modeling did not meet the statistical confidence thresholds required to predict the impact of this variant on CUBN protein function. In summary, the available evidence is currently insufficient to determine the role of this variant in disease. Therefore, it has been classified as a Variant of Uncertain Significance.